The following is an entry in ClinVar:

ClinVar aggregate classification (germline): Uncertain significance (1 of 4 stars; one submission).

gnomAD v4.1: 3 of 1,613,250 alleles (0.00019%); highest among the groups gnomAD compares: East Asian, 0.0045%; no homozygotes.

Submission:

Dasa
Classification: Uncertain significance. Last evaluated: 2026-02-17. Review status: criteria provided, single submitter. Criteria: DASA Assertion Criteria. Collection method: clinical testing. Allele origin: germline.
Comment: NM_003998.4(NFKB1):c.1201A>G (p.Thr401Ala) is a missense variant that results in the substitution of threonine with alanine. This variant is rare in population databases. Computational prediction algorithms are consistent with a benign effect. The currently available literature and clinical evidence are not sufficient to establish a definitive association between this variant and the reported condition. Therefore, this variant is classified as a variant of uncertain significance.

NM_003998.4(NFKB1):c.1201A>G (p.Thr401Ala)

Gene: NFKB1 (nuclear factor kappa B subunit 1; plus strand). Cytogenetic location: 4q24.
Variant type: single nucleotide variant.
Coding change: c.1201A>G on transcript NM_003998.4 (MANE Select); coding-DNA position 1201, A replaced by G.
Protein change: p.Thr401Ala; replaces threonine 401 with alanine.
Molecular consequence: missense variant.
Genome position (GRCh38, 1-based): chr4:102,593,559, A>G. VCF-style: chr4-102593559-A-G. GRCh37 (hg19) VCF-style: chr4-103514716-A-G.
Other names: c.1198A>G, p.Thr400Ala (NM_001165412.2, NM_001319226.2, NM_001382627.1); c.1201A>G, p.Thr401Ala (NM_001382625.1, NM_001382626.1); c.1159A>G, p.Thr387Ala (NM_001382628.1); short protein forms T387A, T400A, T401A.
Identifiers: ClinVar variation 5020709 (VCV005020709.1).